The following is an entry in ClinVar:

ClinVar aggregate classification (germline): Uncertain significance (1 of 4 stars; one submission).

Conditions:
WDPCP-related disorder. Also called: WDPCP-related condition.

Submission:

PreventionGenetics, part of Exact Sciences
Classification: Uncertain significance for WDPCP-related condition. Last evaluated: 2026-02-11. Review status: criteria provided, single submitter. Criteria: ACMG Guidelines, 2015. Collection method: clinical testing. Allele origin: germline.
Comment: The WDPCP c.740A>G variant is predicted to result in the amino acid substitution p.Asp247Gly. To our knowledge, this variant has not been reported in the literature or in a large population database (gnomAD), indicating this variant is rare. At this time, the clinical significance of this variant is uncertain due to the absence of conclusive functional and genetic evidence.

NM_015910.7(WDPCP):c.740A>G (p.Asp247Gly)

Gene: WDPCP (WD repeat containing planar cell polarity effector; minus strand). Cytogenetic location: 2p15.
Variant type: single nucleotide variant.
Coding change: c.740A>G on transcript NM_015910.7 (MANE Select); coding-DNA position 740, A replaced by G.
Protein change: p.Asp247Gly; replaces aspartic acid 247 with glycine.
Molecular consequence: missense variant. On other transcripts: non-coding transcript variant (3).
Genome position (GRCh38, 1-based): chr2:63,433,830, T>C on the plus strand (A>G on the coding strand, the complement: WDPCP is on the minus strand). VCF-style: chr2-63433830-T-C. GRCh37 (hg19) VCF-style: chr2-63660964-T-C.
Other names: c.263A>G, p.Asp88Gly (NM_001042692.3); c.668A>G, p.Asp223Gly (NM_001354044.2); c.740A>G, p.Asp247Gly (NM_001354045.2); short protein forms D223G, D88G, D247G.
Identifiers: ClinVar variation 4996559 (VCV004996559.1).